The following is an entry in ClinVar:

ClinVar aggregate classification (germline): Uncertain significance (1 of 4 stars; one submission).

Allele frequency attached by ClinVar (database versions not stated): gnomAD exomes below 0.00001; TOPMed 0.00001; gnomAD 0.00002.

Submission:

Labcorp Genetics (formerly Invitae), Labcorp
Classification: Uncertain significance. Last evaluated: 2024-11-11. Review status: criteria provided, single submitter. Criteria: Invitae Variant Classification Sherloc (09022015). Collection method: clinical testing. Allele origin: germline.
Comment: This sequence change replaces arginine, which is basic and polar, with cysteine, which is neutral and slightly polar, at codon 311 of the DNA2 protein (p.Arg311Cys). The frequency data for this variant in the population databases is considered unreliable, as metrics indicate poor data quality at this position in the gnomAD database. This variant has not been reported in the literature in individuals affected with DNA2-related conditions. ClinVar contains an entry for this variant (Variation ID: 1493129). Invitae Evidence Modeling of protein sequence and biophysical properties (such as structural, functional, and spatial information, amino acid conservation, physicochemical variation, residue mobility, and thermodynamic stability) indicates that this missense variant is expected to disrupt DNA2 protein function with a positive predictive value of 80%. In summary, the available evidence is currently insufficient to determine the role of this variant in disease. Therefore, it has been classified as a Variant of Uncertain Significance.

NM_001080449.3(DNA2):c.931C>T (p.Arg311Cys)

Gene: DNA2 (DNA replication helicase/nuclease 2; minus strand). Cytogenetic location: 10q21.3.
Variant type: single nucleotide variant.
Coding change: c.931C>T on transcript NM_001080449.3 (MANE Select); coding-DNA position 931, C replaced by T.
Protein change: p.Arg311Cys; replaces arginine 311 with cysteine.
Molecular consequence: missense variant. On other transcripts: non-coding transcript variant (1).
Genome position (GRCh38, 1-based): chr10:68,450,036, G>A on the plus strand (C>T on the coding strand, the complement: DNA2 is on the minus strand). VCF-style: chr10-68450036-G-A. GRCh37 (hg19) VCF-style: chr10-70209793-G-A.
Other names: short protein forms R311C.
Identifiers: ClinVar variation 1493129 (VCV001493129.8), dbSNP rs1327659671, ClinGen allele CA376863497.
Genomic context (GRCh38, chr10:68,450,036, plus strand): 5'-AAAAAAAAAAAAAAAAGTATAAAACAGACAATTTTCTTATTAACATTTATACCTGACTAC[G>A]GTGTTCAATAGAATTTGATTCTTTGCCAGTTTTAAGTTCCAGCGGCATTATCTTGTATTT-3'
Protein context (NP_001073918.2, residues 301-321): TGKESNSIEH[Arg311Cys]SQVVLYTLLS